The following is an entry in ClinVar:

ClinVar aggregate classification (germline): Uncertain significance (1 of 4 stars; one submission).

Conditions:
Early-infantile DEE. Also called: Early infantile epileptic encephalopathy; Ohtahara syndrome; Early infantile epileptic encephalopathy with suppression bursts. Identifiers: Orphanet 1934, MedGen C0393706, MONDO:0800491.

Submission:

Labcorp Genetics (formerly Invitae), Labcorp
Classification: Uncertain significance for Early-infantile DEE. Last evaluated: 2019-05-29. Review status: criteria provided, single submitter. Criteria: Invitae Variant Classification Sherloc (09022015). Collection method: clinical testing. Allele origin: germline.
Comment: Algorithms developed to predict the effect of missense changes on protein structure and function are either unavailable or do not agree on the potential impact of this missense change (SIFT: "Deleterious"; PolyPhen-2: "Probably Damaging"; Align-GVGD: "Class C0"). In summary, the available evidence is currently insufficient to determine the role of this variant in disease. Therefore, it has been classified as a Variant of Uncertain Significance. This variant is not present in population databases (ExAC no frequency). This sequence change replaces aspartic acid with alanine at codon 329 of the SCN8A protein (p.Asp329Ala). The aspartic acid residue is highly conserved and there is a moderate physicochemical difference between aspartic acid and alanine. This variant has not been reported in the literature in individuals with SCN8A-related disease.

NM_001330260.2(SCN8A):c.986A>C (p.Asp329Ala)

Gene: SCN8A (sodium voltage-gated channel alpha subunit 8; plus strand). Cytogenetic location: 12q13.13.
Variant type: single nucleotide variant.
Coding change: c.986A>C on transcript NM_001330260.2 (MANE Select); coding-DNA position 986, A replaced by C.
Protein change: p.Asp329Ala; replaces aspartic acid 329 with alanine.
Molecular consequence: missense variant.
Genome position (GRCh38, 1-based): chr12:51,701,201, A>C. VCF-style: chr12-51701201-A-C. GRCh37 (hg19) VCF-style: chr12-52094985-A-C.
Other names: c.986A>C, p.Asp329Ala (NM_001177984.3, NM_001369788.1, NM_014191.4); short protein forms D329A.
Identifiers: ClinVar variation 658458 (VCV000658458.11), dbSNP rs1592389210, ClinGen allele CA385226996.